The following is an entry in ClinVar:

ClinVar aggregate classification (germline): Benign (1 of 4 stars; one submission).

Conditions:
Familial cancer of breast. Also called: Hereditary breast cancer; BREAST CANCER, FAMILIAL; hereditary breast carcinoma. Identifiers: Orphanet 227535, MedGen C0346153, MONDO:0016419, OMIM 114480. Disease mechanism: loss of function.

Submission:

Myriad Genetics, Inc.
Classification: Benign for Familial cancer of breast. Last evaluated: 2024-10-04. Review status: criteria provided, single submitter. Criteria: Myriad Autosomal Dominant, Autosomal Recessive and X-Linked Classification Criteria (2023). Collection method: clinical testing. Allele origin: unknown.
Comment: This variant is considered benign. This variant is a silent/synonymous amino acid change and it is not expected to impact splicing.

NM_007194.4(CHEK2):c.1071T>C (p.Ser357=)

Gene: CHEK2 (checkpoint kinase 2; minus strand). Cytogenetic location: 22q12.1.
Variant type: single nucleotide variant.
Coding change: c.1071T>C on transcript NM_007194.4 (MANE Select); coding-DNA position 1071, T replaced by C.
Protein change: p.Ser357=; no amino-acid change (serine 357 retained).
Molecular consequence: synonymous variant. On other transcripts: intron variant (3).
Genome position (GRCh38, 1-based): chr22:28,696,925, A>G on the plus strand (T>C on the coding strand, the complement: CHEK2 is on the minus strand). VCF-style: chr22-28696925-A-G. GRCh37 (hg19) VCF-style: chr22-29092913-A-G.
Other names: c.1200T>C, p.Ser400= (NM_001005735.3); c.408T>C, p.Ser136= (NM_001257387.3, NM_001437942.1); c.870T>C, p.Ser290= (NM_001349956.3); c.1164T>C, p.Ser388= (NM_001438293.1); c.1009-1052T>C (NM_145862.3); c.1102-1052T>C (NM_001438295.1); c.1138-1052T>C (NM_001438294.1).
Identifiers: ClinVar variation 3773627 (VCV003773627.1).